The following is an entry in ClinVar:

NM_000548.5(TSC2):c.2824G>T (p.Glu942Ter)

Gene: TSC2 (TSC complex subunit 2; plus strand). Cytogenetic location: 16p13.3.
Variant type: single nucleotide variant.
Coding change: c.2824G>T on transcript NM_000548.5 (MANE Select); coding-DNA position 2824, G replaced by T.
Protein change: p.Glu942Ter; replaces glutamic acid 942 with a stop codon.
Molecular consequence: nonsense.
Genome position (GRCh38, 1-based): chr16:2,076,572, G>T. VCF-style: chr16-2076572-G-T. GRCh37 (hg19) VCF-style: chr16-2126573-G-T.
Other names: c.2824G>T, p.Glu942Ter (NM_001077183.3, NM_001114382.3, NM_001363528.2 and 3 more transcripts); c.2713G>T, p.Glu905Ter (NM_001318827.2); c.2677G>T, p.Glu893Ter (NM_001318829.2); c.2224G>T, p.Glu742Ter (NM_001318831.2); c.2857G>T, p.Glu953Ter (NM_001318832.2); short protein forms E942*, E742*, E905*, E953*, E893*.
Identifiers: ClinVar variation 49843 (VCV000049843.21), dbSNP rs45517270, ClinGen allele CA018233.
Genomic context (GRCh38, chr16:2,076,572, plus strand): 5'-TTGTCTTTTGATGACACCCCCGAGAAGGACAGCTTCAGGGCCCGGAGTACTAGTCTCAAC[G>T]AGAGACCCAAGAGGTACGGCCTGCGGGGGTGTGCCTGGAGTCGGTGTGGGGTGGGGAAGG-3'

ClinVar aggregate classification (germline): Pathogenic. Review status: criteria provided, multiple submitters, no conflicts (2 of 4 stars). 6 submissions from 6 submitters: Pathogenic (5). 1 of the submissions does not count toward it. Last evaluated 2024-06-04.

Conditions:
Tuberous sclerosis syndrome (TSC). Also called: Tuberous Sclerosis Complex; Tuberous sclerosis. Identifiers: Orphanet 805, MedGen C0041341, MONDO:0001734.
Tuberous sclerosis 2 (TSC2). Identifiers: Orphanet 805, MedGen C1860707, MONDO:0013199, OMIM 613254.

Submissions (6):

GeneDx
Classification: Pathogenic. Last evaluated: 2024-06-04. Review status: criteria provided, single submitter. Criteria: GeneDx Variant Classification Process June 2021. Collection method: clinical testing. Allele origin: germline. Affected: yes.
Comment: Nonsense variant predicted to result in protein truncation or nonsense mediated decay in a gene for which loss of function is a known mechanism of disease; Not observed at significant frequency in large population cohorts (gnomAD); This variant is associated with the following publications: (PMID: 25525159, 29801666, 33532864, 16981987)

Genome-Nilou Lab
Classification: Pathogenic for Tuberous sclerosis 2. Last evaluated: 2021-11-07. Review status: criteria provided, single submitter. Criteria: ACMG Guidelines, 2015. Collection method: clinical testing. Allele origin: germline. Affected: no.

Molecular Biology Laboratory, Fundació Puigvert
Classification: Pathogenic for Tuberous sclerosis 2. Last evaluated: 2020-02-01. Review status: criteria provided, single submitter. Criteria: ACMG Guidelines, 2015. Collection method: research. Allele origin: germline. Affected: yes. Study: KidneyPanel_2020.

Labcorp Genetics (formerly Invitae), Labcorp
Classification: Pathogenic for Tuberous sclerosis 2. Last evaluated: 2019-03-05. Review status: criteria provided, single submitter. Criteria: Invitae Variant Classification Sherloc (09022015). Collection method: clinical testing. Allele origin: germline.
Comment: For these reasons, this variant has been classified as Pathogenic. Loss-of-function variants in TSC2 are known to be pathogenic (PMID: 10205261, 17304050). This variant has been observed in individuals affected with tuberous sclerosis complex (PMID: 16981987, 29801666). ClinVar contains an entry for this variant (Variation ID: 49843). This variant is not present in population databases (ExAC no frequency). This sequence change creates a premature translational stop signal (p.Glu942*) in the TSC2 gene. It is expected to result in an absent or disrupted protein product.

ARUP Laboratories, Molecular Genetics and Genomics, ARUP Laboratories
Classification: Pathogenic. Last evaluated: 2017-01-24. Review status: criteria provided, single submitter. Criteria: ARUP Molecular Germline Variant Investigation Process. Collection method: clinical testing. Allele origin: germline.

Tuberous sclerosis database (TSC2)
No classification provided. Condition: TSC. Review status: no classification provided. Criteria: Tuberous Sclerosis Database Assertion Criteria 2015. Collection method: curation. Allele origin: germline. Affected: yes. Not counted in ClinVar's aggregate classification.

Literature cited by the submitters: PubMed 33532864 (cited by Molecular Biology Laboratory, Fundació Puigvert); PubMed 10205261 (cited by Labcorp Genetics (formerly Invitae), Labcorp); PubMed 17304050 (cited by Labcorp Genetics (formerly Invitae), Labcorp); PubMed 16981987 (cited by Labcorp Genetics (formerly Invitae), Labcorp); PubMed 29801666 (cited by Labcorp Genetics (formerly Invitae), Labcorp).